The following is an entry in ClinVar:

ClinVar aggregate classification (germline): Uncertain significance. Review status: criteria provided, multiple submitters, no conflicts (2 of 4 stars). 3 submissions from 3 submitters: Uncertain significance (3). Last evaluated 2025-03-04.

Conditions:
Inborn genetic diseases. Identifiers: MedGen C0950123, MeSH D030342.
Congenital myotonia, autosomal dominant form (THD). Also called: THOMSEN DISEASE; Myotonia congenita autosomal dominant. Identifiers: Orphanet 614, MedGen C2936781, MONDO:0008055, OMIM 160800.
Congenital myotonia, autosomal recessive form. Also called: Becker Generalized Myotonia; myotonia congenita, autosomal recessive; BECKER DISEASE. Identifiers: Orphanet 614, MedGen C0751360, MONDO:0009715, OMIM 255700.

Allele frequency attached by ClinVar (database versions not stated): gnomAD exomes below 0.00001; TOPMed below 0.00001.
gnomAD v4.1: 1 of 1,614,160 alleles (0.000062%); highest among the groups gnomAD compares: Non-Finnish European, 0.000085%; no homozygotes.

Submissions (3):

Labcorp Genetics (formerly Invitae), Labcorp
Classification: Uncertain significance for Congenital myotonia, autosomal recessive form; Congenital myotonia, autosomal dominant form. Last evaluated: 2025-03-04. Review status: criteria provided, single submitter. Criteria: Invitae Variant Classification Sherloc (09022015). Collection method: clinical testing. Allele origin: germline.
Comment: This sequence change replaces threonine, which is neutral and polar, with asparagine, which is neutral and polar, at codon 636 of the CLCN1 protein (p.Thr636Asn). This variant is not present in population databases (gnomAD no frequency). This variant has not been reported in the literature in individuals affected with CLCN1-related conditions. ClinVar contains an entry for this variant (Variation ID: 1035837). Invitae Evidence Modeling of protein sequence and biophysical properties (such as structural, functional, and spatial information, amino acid conservation, physicochemical variation, residue mobility, and thermodynamic stability) has been performed for this missense variant. However, the output from this modeling did not meet the statistical confidence thresholds required to predict the impact of this variant on CLCN1 protein function. In summary, the available evidence is currently insufficient to determine the role of this variant in disease. Therefore, it has been classified as a Variant of Uncertain Significance.

Ambry Genetics
Classification: Uncertain significance for Inborn genetic diseases. Last evaluated: 2024-05-20. Review status: criteria provided, single submitter. Criteria: Ambry Variant Classification Scheme 2023. Collection method: clinical testing. Allele origin: germline.

Revvity Omics, Revvity
Classification: Uncertain significance. Last evaluated: 2019-04-05. Review status: criteria provided, single submitter. Criteria: ACMG Guidelines, 2015. Collection method: clinical testing. Allele origin: germline.

NM_000083.3(CLCN1):c.1907C>A (p.Thr636Asn)

Gene: CLCN1 (chloride voltage-gated channel 1; plus strand). Cytogenetic location: 7q34.
Variant type: single nucleotide variant.
Coding change: c.1907C>A on transcript NM_000083.3 (MANE Select); coding-DNA position 1907, C replaced by A.
Protein change: p.Thr636Asn; replaces threonine 636 with asparagine.
Molecular consequence: missense variant. On other transcripts: non-coding transcript variant (1).
Genome position (GRCh38, 1-based): chr7:143,342,482, C>A. VCF-style: chr7-143342482-C-A. GRCh37 (hg19) VCF-style: chr7-143039575-C-A.
Other names: c.1907C>A (NM_000083.2); short protein forms T636N.
Identifiers: ClinVar variation 1035837 (VCV001035837.12), dbSNP rs1803111177, ClinGen allele CA369648058.